The following is an entry in ClinVar:

ClinVar aggregate classification (germline): Uncertain significance (1 of 4 stars; one submission).

Conditions:
Peroxisome biogenesis disorder 9B. Also called: PEX7-Related Refsum Disease; Refsum disease, adult, 2; PEROXISOME BIOGENESIS DISORDER, PEX7-RELATED, ATYPICAL. Identifiers: Orphanet 773, MedGen C2749346, MONDO:0013945, OMIM 614879.

Allele frequency attached by ClinVar (database versions not stated): gnomAD exomes below 0.00001.

Submission:

Labcorp Genetics (formerly Invitae), Labcorp
Classification: Uncertain significance for Peroxisome biogenesis disorder 9B. Last evaluated: 2022-11-08. Review status: criteria provided, single submitter. Criteria: Invitae Variant Classification Sherloc (09022015). Collection method: clinical testing. Allele origin: germline.
Comment: This sequence change replaces arginine, which is basic and polar, with threonine, which is neutral and polar, at codon 268 of the PEX7 protein (p.Arg268Thr). This variant also falls at the last nucleotide of exon 8, which is part of the consensus splice site for this exon. In summary, the available evidence is currently insufficient to determine the role of this variant in disease. Therefore, it has been classified as a Variant of Uncertain Significance. Variants that disrupt the consensus splice site are a relatively common cause of aberrant splicing (PMID: 17576681, 9536098). Algorithms developed to predict the effect of sequence changes on RNA splicing suggest that this variant may disrupt the consensus splice site. Algorithms developed to predict the effect of missense changes on protein structure and function are either unavailable or do not agree on the potential impact of this missense change (SIFT: "Deleterious"; PolyPhen-2: "Possibly Damaging"; Align-GVGD: "Class C0"). This variant has not been reported in the literature in individuals affected with PEX7-related conditions. This variant is not present in population databases (gnomAD no frequency).

Literature cited by the submitters: PubMed 17576681; PubMed 9536098.

NM_000288.4(PEX7):c.803G>C (p.Arg268Thr)

Gene: PEX7 (peroxisomal biogenesis factor 7; plus strand). Cytogenetic location: 6q23.3.
Variant type: single nucleotide variant.
Coding change: c.803G>C on transcript NM_000288.4 (MANE Select); coding-DNA position 803, G replaced by C.
Protein change: p.Arg268Thr; replaces arginine 268 with threonine.
Molecular consequence: missense variant.
Genome position (GRCh38, 1-based): chr6:136,872,253, G>C. VCF-style: chr6-136872253-G-C. GRCh37 (hg19) VCF-style: chr6-137193391-G-C.
Other names: c.689G>C, p.Arg230Thr (NM_001410945.1); short protein forms R230T, R268T.
Identifiers: ClinVar variation 2129590 (VCV002129590.4), dbSNP rs1775196881, ClinGen allele CA365764498.